The following is an entry in ClinVar:

ClinVar aggregate classification (germline): Benign (0 of 4 stars; one submission).

Conditions:
MUC16-related disorder. Also called: MUC16-related condition.

Allele frequency attached by ClinVar (database versions not stated): 1000 Genomes Project 30x 0.11618.

Submission:

PreventionGenetics, part of Exact Sciences
Classification: Benign for MUC16-related condition. Last evaluated: 2019-06-26. Review status: no assertion criteria provided. Collection method: clinical testing. Allele origin: germline.
Comment: This variant is classified as benign based on ACMG/AMP sequence variant interpretation guidelines (Richards et al. 2015 PMID: 25741868, with internal and published modifications).

NM_001401501.2(MUC16):c.44189G>A (p.Ser14730Asn)

Gene: MUC16 (mucin 16, cell surface associated; minus strand). Cytogenetic location: 19p13.2.
Variant type: single nucleotide variant.
Coding change: c.44189G>A on transcript NM_001401501.2 (MANE Select); coding-DNA position 44189, G replaced by A.
Protein change: p.Ser14730Asn; replaces serine 14730 with asparagine.
Molecular consequence: missense variant.
Genome position (GRCh38, 1-based): chr19:8,882,750, C>T on the plus strand (G>A on the coding strand, the complement: MUC16 is on the minus strand). VCF-style: chr19-8882750-C-T. GRCh37 (hg19) VCF-style: chr19-8993426-C-T.
Other names: c.44615G>A, p.Ser14872Asn (NM_001414686.1); c.44069G>A, p.Ser14690Asn (NM_001414687.1); c.41663G>A, p.Ser13888Asn (NM_024690.2); short protein forms S13888N, S14690N, S14730N, S14872N.
Identifiers: ClinVar variation 3042103 (VCV003042103.2), dbSNP rs796382418, ClinGen allele CA305055972.